The following is an entry in ClinVar:

NM_006734.4(HIVEP2):c.6293G>A (p.Arg2098Lys)

Gene: HIVEP2 (HIVEP zinc finger 2; minus strand). Cytogenetic location: 6q24.2.
Variant type: single nucleotide variant.
Coding change: c.6293G>A on transcript NM_006734.4 (MANE Select); coding-DNA position 6293, G replaced by A.
Protein change: p.Arg2098Lys; replaces arginine 2098 with lysine.
Molecular consequence: missense variant.
Genome position (GRCh38, 1-based): chr6:142,759,995, C>T on the plus strand (G>A on the coding strand, the complement: HIVEP2 is on the minus strand). VCF-style: chr6-142759995-C-T. GRCh37 (hg19) VCF-style: chr6-143081132-C-T.
Other names: c.6293G>A, p.Arg2098Lys (NM_001438449.1, NM_001438450.1, NM_001438451.1); short protein forms R2098K.
Identifiers: ClinVar variation 4809284 (VCV004809284.1).
Genomic context (GRCh38, chr6:142,759,995, plus strand): 5'-GACACTGGCCTCCTTGGAGACAAATGCCTTCTTGGTGAAACATCTCTTTGGGACATCTCT[C>T]TTCTCAATGCAGCTTCCTTTCTTGGTGAAAGATGTCTCATGGGTGACAGATCTCTCCTAG-3'
Protein context (NP_006725.3, residues 2088-2108): LSPRKEAALR[Arg2098Lys]EMSQRDVSPR

ClinVar aggregate classification (germline): Uncertain significance (1 of 4 stars; one submission).

gnomAD v4.1: 4 of 1,613,880 alleles (0.00025%); highest among the groups gnomAD compares: Admixed American, 0.0017%; no homozygotes.

Submission:

Labcorp Genetics (formerly Invitae), Labcorp
Classification: Uncertain significance. Last evaluated: 2025-08-17. Review status: criteria provided, single submitter. Criteria: Invitae Variant Classification Sherloc (09022015). Collection method: clinical testing. Allele origin: germline.
Comment: This sequence change replaces arginine, which is basic and polar, with lysine, which is basic and polar, at codon 2098 of the HIVEP2 protein (p.Arg2098Lys). This variant is not present in population databases (gnomAD no frequency). This variant has not been reported in the literature in individuals affected with HIVEP2-related conditions. An algorithm developed to predict the effect of missense changes on protein structure and function (PolyPhen-2) suggests that this variant is likely to be disruptive. In summary, the available evidence is currently insufficient to determine the role of this variant in disease. Therefore, it has been classified as a Variant of Uncertain Significance.